The following is an entry in ClinVar:

NM_206933.4(USH2A):c.11121G>T (p.Lys3707Asn)

Gene: USH2A (usherin; minus strand). Cytogenetic location: 1q41.
Variant type: single nucleotide variant.
Coding change: c.11121G>T on transcript NM_206933.4 (MANE Select); coding-DNA position 11121, G replaced by T.
Protein change: p.Lys3707Asn; replaces lysine 3707 with asparagine.
Molecular consequence: missense variant.
Genome position (GRCh38, 1-based): chr1:215,759,770, C>A on the plus strand (G>T on the coding strand, the complement: USH2A is on the minus strand). VCF-style: chr1-215759770-C-A. GRCh37 (hg19) VCF-style: chr1-215933112-C-A.
Other names: short protein forms K3707N.
Identifiers: ClinVar variation 48366 (VCV000048366.13), dbSNP rs111033515, ClinGen allele CA143245.
Genomic context (GRCh38, chr1:215,759,770, plus strand): 5'-ACCCAGGAAAAGCAAGTTTCCATTACGACTCAATTGATATTGAGAAACGAGGCCATTGGG[C>A]TTTTCTGGCAGACTCCAATATAATTCCACTGTTGTAGAATTGATGATAATGTGTCGAGGT-3'
Protein context (NP_996816.3, residues 3697-3717): TVELYWSLPE[Lys3707Asn]PNGLVSQYQL

ClinVar aggregate classification (germline): Conflicting classifications of pathogenicity. Review status: criteria provided, conflicting classifications (1 of 4 stars). 3 submissions from 3 submitters: Uncertain significance (2); Likely benign (1). Last evaluated 2024-03-04.

Allele frequency attached by ClinVar (database versions not stated): gnomAD 0.00004 and 0.00003; ExAC 0.00002; TOPMed 0.00002; gnomAD exomes 0.00003.
gnomAD v4.1: 64 of 1,613,914 alleles (0.004%); highest among the groups gnomAD compares: Non-Finnish European, 0.0053%; no homozygotes.

Submissions (3):

Labcorp Genetics (formerly Invitae), Labcorp
Classification: Uncertain significance. Last evaluated: 2024-03-04. Review status: criteria provided, single submitter. Criteria: Invitae Variant Classification Sherloc (09022015). Collection method: clinical testing. Allele origin: germline.
Comment: This sequence change replaces lysine, which is basic and polar, with asparagine, which is neutral and polar, at codon 3707 of the USH2A protein (p.Lys3707Asn). This variant is present in population databases (rs111033515, gnomAD 0.006%). This variant has not been reported in the literature in individuals affected with USH2A-related conditions. ClinVar contains an entry for this variant (Variation ID: 48366). Advanced modeling of protein sequence and biophysical properties (such as structural, functional, and spatial information, amino acid conservation, physicochemical variation, residue mobility, and thermodynamic stability) performed at Invitae indicates that this missense variant is not expected to disrupt USH2A protein function with a negative predictive value of 95%. In summary, the available evidence is currently insufficient to determine the role of this variant in disease. Therefore, it has been classified as a Variant of Uncertain Significance.

Blueprint Genetics
Classification: Uncertain significance. Last evaluated: 2022-09-13. Review status: criteria provided, single submitter. Criteria: ACMG Guidelines, 2015. Collection method: clinical testing. Allele origin: germline.

Laboratory for Molecular Medicine, Mass General Brigham Personalized Medicine
Classification: Likely benign. Last evaluated: 2010-04-07. Review status: criteria provided, single submitter. Criteria: LMM Criteria. Collection method: clinical testing. Allele origin: germline. Observed: 2 variant alleles.
Comment: The Lys3707Asn variant has not been reported in the literature nor previously id entified by our laboratory. This residue is not highly conserved in mammals and computational analyses do not suggest a high likelihood of impact to the protein . Of note, horse has an asparagine at this position. In summary, this variant is likely benign.